The following is an entry in ClinVar:

ClinVar aggregate classification (germline): Uncertain significance (1 of 4 stars; one submission).

Conditions:
Cardiovascular phenotype. Identifiers: MedGen CN230736.

gnomAD v4.1: 2 of 1,550,728 alleles (0.00013%); highest among the groups gnomAD compares: East Asian, 0.0024%; no homozygotes.

Submission:

Ambry Genetics
Classification: Uncertain significance for Cardiovascular phenotype. Last evaluated: 2025-05-26. Review status: criteria provided, single submitter. Criteria: Ambry Variant Classification Scheme 2023. Collection method: clinical testing. Allele origin: germline.
Comment: The p.G837R variant (also known as c.2509G>C), located in coding exon 17 of the TRPM4 gene, results from a G to C substitution at nucleotide position 2509. The glycine at codon 837 is replaced by arginine, an amino acid with dissimilar properties. This amino acid position is conserved. In addition, this alteration is predicted to be tolerated by in silico analysis. Based on the available evidence, the clinical significance of this variant remains unclear.

NM_017636.4(TRPM4):c.2509G>C (p.Gly837Arg)

Gene: TRPM4 (transient receptor potential cation channel subfamily M member 4; plus strand). Cytogenetic location: 19q13.33.
Variant type: single nucleotide variant.
Coding change: c.2509G>C on transcript NM_017636.4 (MANE Select); coding-DNA position 2509, G replaced by C.
Protein change: p.Gly837Arg; replaces glycine 837 with arginine.
Molecular consequence: missense variant. On other transcripts: intron variant (1).
Genome position (GRCh38, 1-based): chr19:49,196,738, G>C. VCF-style: chr19-49196738-G-C. GRCh37 (hg19) VCF-style: chr19-49699995-G-C.
Other names: c.2164G>C, p.Gly722Arg (NM_001321281.2); c.901G>C, p.Gly301Arg (NM_001321282.2); c.1987G>C, p.Gly663Arg (NM_001321283.2); c.1447G>C, p.Gly483Arg (NM_001321285.2); c.2211-3562G>C (NM_001195227.2); short protein forms G301R, G483R, G722R, G663R, G837R.
Identifiers: ClinVar variation 3974283 (VCV003974283.1).
Genomic context (GRCh38, chr19:49,196,738, plus strand): 5'-CTCTATTTCTGGGCTTTCACGCTGCTGTGCGAGGAACTGCGCCAGGGCCTGAGCGGAGGC[G>C]GGGGCAGCCTCGCCAGCGGGGGCCCCGGGCCTGGCCATGCCTCACTGAGCCAGCGCCTGC-3'
Protein context (NP_060106.2, residues 827-847): EELRQGLSGG[Gly837Arg]GSLASGGPGP